The following is an entry in ClinVar:

NM_004329.3(BMPR1A):c.1423T>C (p.Cys475Arg)

Gene: BMPR1A (bone morphogenetic protein receptor type 1A; plus strand). Cytogenetic location: 10q23.2.
Variant type: single nucleotide variant.
Coding change: c.1423T>C on transcript NM_004329.3 (MANE Select); coding-DNA position 1423, T replaced by C.
Protein change: p.Cys475Arg; replaces cysteine 475 with arginine.
Molecular consequence: missense variant. On other transcripts: non-coding transcript variant (3).
Genome position (GRCh38, 1-based): chr10:86,923,456, T>C. VCF-style: chr10-86923456-T-C. GRCh37 (hg19) VCF-style: chr10-88683213-T-C.
Other names: c.1423T>C, p.Cys475Arg (NM_001406582.1, NM_001406573.1, NM_001406574.1 and 19 more transcripts); c.1417T>C, p.Cys473Arg (NM_001406583.1); c.1339T>C, p.Cys447Arg (NM_001406584.1, NM_001406585.1, NM_001406586.1 and 2 more transcripts); c.1081T>C, p.Cys361Arg (NM_001406589.1); c.1498T>C, p.Cys500Arg (NM_001406559.1); c.1471T>C, p.Cys491Arg (NM_001406560.1); short protein forms C361R, C447R, C473R, C475R, C491R, C500R.
Identifiers: ClinVar variation 4812149 (VCV004812149.1).
Genomic context (GRCh38, chr10:86,923,456, plus strand): 5'-TTGCCATATTACAACATGGTACCGAGTGATCCGTCATACGAAGATATGCGTGAGGTTGTG[T>C]GTGTCAAACGTTTGCGGCCAATTGTGTCTAATCGGTGGAACAGTGATGAAGTGAGTGGAA-3'
Protein context (NP_004320.2, residues 465-485): PSYEDMREVV[Cys475Arg]VKRLRPIVSN

ClinVar aggregate classification (germline): Uncertain significance (1 of 4 stars; one submission).

Conditions:
Juvenile polyposis syndrome (JPS). Identifiers: Orphanet 2929, MedGen C0345893, MONDO:0017380, OMIM 174900.

Submission:

Labcorp Genetics (formerly Invitae), Labcorp
Classification: Uncertain significance for Juvenile polyposis syndrome. Last evaluated: 2026-01-16. Review status: criteria provided, single submitter. Criteria: Invitae Variant Classification Sherloc (09022015). Collection method: clinical testing. Allele origin: germline.
Comment: This sequence change replaces cysteine, which is neutral and slightly polar, with arginine, which is basic and polar, at codon 475 of the BMPR1A protein (p.Cys475Arg). This variant is not present in population databases (gnomAD no frequency). This variant has not been reported in the literature in individuals affected with BMPR1A-related conditions. Invitae Evidence Modeling of protein sequence and biophysical properties (such as structural, functional, and spatial information, amino acid conservation, physicochemical variation, residue mobility, and thermodynamic stability) has been performed for this missense variant. However, the output from this modeling did not meet the statistical confidence thresholds required to predict the impact of this variant on BMPR1A protein function. In summary, the available evidence is currently insufficient to determine the role of this variant in disease. Therefore, it has been classified as a Variant of Uncertain Significance.